The following is an entry in ClinVar:

ClinVar aggregate classification (germline): Uncertain significance (1 of 4 stars; one submission).

Allele frequency attached by ClinVar (database versions not stated): TOPMed 0.00001; gnomAD exomes 0.00002; ExAC 0.00003.
gnomAD v4.1: 23 of 1,580,904 alleles (0.0015%); highest among the groups gnomAD compares: East Asian, 0.012%; no homozygotes.

Submission:

GeneDx
Classification: Uncertain significance. Last evaluated: 2022-03-09. Review status: criteria provided, single submitter. Criteria: GeneDx Variant Classification Process June 2021. Collection method: clinical testing. Allele origin: germline. Affected: yes.
Comment: Has not been previously published as pathogenic or benign to our knowledge; Not observed at significant frequency in large population cohorts (gnomAD); In silico analysis supports that this missense variant has a deleterious effect on protein structure/function

NM_001365276.2(TNXB):c.2734C>T (p.Arg912Trp)

Gene: TNXB (tenascin XB; minus strand). Cytogenetic location: 6p21.33.
Variant type: single nucleotide variant.
Coding change: c.2734C>T on transcript NM_001365276.2 (MANE Select); coding-DNA position 2734, C replaced by T.
Protein change: p.Arg912Trp; replaces arginine 912 with tryptophan.
Molecular consequence: missense variant.
Genome position (GRCh38, 1-based): chr6:32,088,830, G>A on the plus strand (C>T on the coding strand, the complement: TNXB is on the minus strand). VCF-style: chr6-32088830-G-A. GRCh37 (hg19) VCF-style: chr6-32056607-G-A.
Other names: c.2734C>T, p.Arg912Trp (NM_019105.8); short protein forms R912W.
Identifiers: ClinVar variation 1704855 (VCV001704855.2), dbSNP rs778471629, ClinGen allele CA3735423.
Genomic context (GRCh38, chr6:32,088,830, plus strand): 5'-TCTGGCCAGCCATACCTGTGTTGGCCCTGACAGAAGCTGGGTAGCTGACTGCCCGGCCCC[G>A]CTCCGCTGTGACAGTCACCACATATTCTACGCCTGGCATCAGGTCAGTCAGCAGCGTCCC-3'
Protein context (NP_001352205.1, residues 902-922): VEYVVTVTAE[Arg912Trp]GRAVSYPASV